The following is an entry in ClinVar:

ClinVar aggregate classification (germline): Benign/Likely benign. Review status: criteria provided, multiple submitters, no conflicts (2 of 4 stars). 5 submissions from 5 submitters: Benign (3); Likely benign (2). Last evaluated 2026-01-08.

Conditions:
Tumoral calcinosis, hyperphosphatemic, familial, 3. Identifiers: MedGen C4693864, MONDO:0060715, OMIM 617994.

Allele frequency attached by ClinVar (database versions not stated): gnomAD exomes 0.00101; ExAC 0.00116; ESP Exome Variant Server 0.00331; gnomAD 0.00428 and 0.00457; TOPMed 0.00444; 1000 Genomes Project 0.00579; 1000 Genomes Project 30x 0.00609.
gnomAD v4.1: 1,292 of 1,611,826 alleles (0.08%); highest among the groups gnomAD compares: African/African-American, 1.6%; 10 homozygotes.

Submissions (5):

Labcorp Genetics (formerly Invitae), Labcorp
Classification: Benign. Last evaluated: 2026-01-08. Review status: criteria provided, single submitter. Criteria: Invitae Variant Classification Sherloc (09022015). Collection method: clinical testing. Allele origin: germline.

Mayo Clinic Laboratories, Mayo Clinic
Classification: Likely benign. Last evaluated: 2025-08-22. Review status: criteria provided, single submitter. Criteria: ACMG Guidelines, 2015. Collection method: clinical testing. Allele origin: germline. Observed: 1 variant allele.
Comment: BS1, BP4, BP7

Blueprint Genetics
Classification: Likely benign. Last evaluated: 2024-09-12. Review status: criteria provided, single submitter. Criteria: ACMG Guidelines, 2015. Collection method: clinical testing. Allele origin: germline.

Illumina Laboratory Services, Illumina
Classification: Benign for Tumoral calcinosis, hyperphosphatemic, familial, 3. Last evaluated: 2018-01-13. Review status: criteria provided, single submitter. Criteria: ICSL Variant Classification Criteria 13 December 2019. Collection method: clinical testing. Allele origin: germline.
Comment: This variant was observed in the ICSL laboratory as part of a predisposition screen in an ostensibly healthy population. It had not been previously curated by ICSL or reported in the Human Gene Mutation Database (HGMD: prior to June 1st, 2018), and was therefore a candidate for classification through an automated scoring system. Utilizing variant allele frequency, disease prevalence and penetrance estimates, and inheritance mode, an automated score was calculated to assess if this variant is too frequent to cause the disease. Based on the score and internal cut-off values, a variant classified as benign is not then subjected to further curation. The score for this variant resulted in a classification of benign for this disease.

Breakthrough Genomics
Classification: Benign. Review status: criteria provided, single submitter. Criteria: ACMG Guidelines, 2015. Collection method: not provided. Allele origin: germline. Inheritance: Autosomal recessive inheritance. Affected: yes.

NM_004795.4(KL):c.327G>C (p.Leu109=)

Gene: KL (klotho; plus strand). Cytogenetic location: 13q13.1.
Variant type: single nucleotide variant.
Coding change: c.327G>C on transcript NM_004795.4 (MANE Select); coding-DNA position 327, G replaced by C.
Protein change: p.Leu109=; no amino-acid change (leucine 109 retained).
Molecular consequence: synonymous variant.
Genome position (GRCh38, 1-based): chr13:33,016,767, G>C. VCF-style: chr13-33016767-G-C. GRCh37 (hg19) VCF-style: chr13-33590905-G-C.
Other names: p.Leu109=.
Identifiers: ClinVar variation 311682 (VCV000311682.15), dbSNP rs116810451, ClinGen allele CA6943874.